The following is an entry in ClinVar:

NM_005902.4(SMAD3):c.872-19C>G

Gene: SMAD3 (SMAD family member 3; plus strand). Cytogenetic location: 15q22.33.
Variant type: single nucleotide variant.
Coding change: c.872-19C>G on transcript NM_005902.4 (MANE Select); 19 bases into the intron before coding-DNA position 872, C replaced by G.
Molecular consequence: intron variant.
Genome position (GRCh38, 1-based): chr15:67,184,708, C>G. VCF-style: chr15-67184708-C-G. GRCh37 (hg19) VCF-style: chr15-67477046-C-G.
Other names: c.557-19C>G (NM_001145102.2); c.740-19C>G (NM_001145103.2); c.287-19C>G (NM_001145104.2).
Identifiers: ClinVar variation 675818 (VCV000675818.4), dbSNP rs74421858, ClinGen allele CA062795.

ClinVar aggregate classification (germline): Likely benign. Review status: criteria provided, multiple submitters, no conflicts (2 of 4 stars). 2 submissions from 2 submitters: Likely benign (2). Last evaluated 2025-09-09.

Conditions:
Familial thoracic aortic aneurysm and aortic dissection (TAAD). Also called: Thoracic aortic aneurysms and dissections. Identifiers: Orphanet 91387, MedGen C4707243, MONDO:0019625.

Allele frequency attached by ClinVar (database versions not stated): gnomAD exomes 0.00002 and 0.00004; ExAC 0.00005; 1000 Genomes Project 0.00020; TOPMed 0.00022; gnomAD 0.00023 and 0.00025; 1000 Genomes Project 30x 0.00031; ESP Exome Variant Server 0.00031.
gnomAD v4.1: 58 of 1,613,866 alleles (0.0036%); highest among the groups gnomAD compares: African/African-American, 0.071%; no homozygotes.

Submissions (2):

Labcorp Genetics (formerly Invitae), Labcorp
Classification: Likely benign for Familial thoracic aortic aneurysm and aortic dissection. Last evaluated: 2025-09-09. Review status: criteria provided, single submitter. Criteria: Invitae Variant Classification Sherloc (09022015). Collection method: clinical testing. Allele origin: germline.

GeneDx
Classification: Likely benign. Last evaluated: 2018-06-04. Review status: criteria provided, single submitter. Criteria: GeneDx Variant Classification (06012015). Collection method: clinical testing. Allele origin: germline. Affected: yes.
Comment: This variant is considered likely benign or benign based on one or more of the following criteria: it is a conservative change, it occurs at a poorly conserved position in the protein, it is predicted to be benign by multiple in silico algorithms, and/or has population frequency not consistent with disease.